The following is an entry in ClinVar:

NM_000426.4(LAMA2):c.2500G>T (p.Gly834Ter)

Gene: LAMA2 (laminin subunit alpha 2; plus strand). Cytogenetic location: 6q22.33.
Variant type: single nucleotide variant.
Coding change: c.2500G>T on transcript NM_000426.4 (MANE Select); coding-DNA position 2500, G replaced by T.
Protein change: p.Gly834Ter; replaces glycine 834 with a stop codon.
Molecular consequence: nonsense.
Genome position (GRCh38, 1-based): chr6:129,280,110, G>T. VCF-style: chr6-129280110-G-T. GRCh37 (hg19) VCF-style: chr6-129601255-G-T.
Other names: c.2500G>T, p.Gly834Ter (NM_001079823.2); short protein forms G834*.
Identifiers: ClinVar variation 1069271 (VCV001069271.7), dbSNP rs2114391000, ClinGen allele CA365609377.

ClinVar aggregate classification (germline): Pathogenic (1 of 4 stars; one submission).

Conditions:
LAMA2-related muscular dystrophy (LAMA2-RD). Also called: Laminin alpha 2-related dystrophy. Identifiers: MedGen C5679788, MONDO:0100228.

Allele frequency attached by ClinVar (database versions not stated): gnomAD exomes 0.00001.
gnomAD v4.1: 12 of 1,613,290 alleles (0.00074%); highest among the groups gnomAD compares: Non-Finnish European, 0.001%; no homozygotes.

Submission:

Labcorp Genetics (formerly Invitae), Labcorp
Classification: Pathogenic for LAMA2-related muscular dystrophy. Last evaluated: 2022-04-14. Review status: criteria provided, single submitter. Criteria: Invitae Variant Classification Sherloc (09022015). Collection method: clinical testing. Allele origin: germline.
Comment: This sequence change creates a premature translational stop signal (p.Gly834*) in the LAMA2 gene. It is expected to result in an absent or disrupted protein product. Loss-of-function variants in LAMA2 are known to be pathogenic (PMID: 18700894, 32904964). This variant is not present in population databases (gnomAD no frequency). This variant has not been reported in the literature in individuals affected with LAMA2-related conditions. ClinVar contains an entry for this variant (Variation ID: 1069271). Algorithms developed to predict the effect of sequence changes on RNA splicing suggest that this variant may disrupt the consensus splice site. For these reasons, this variant has been classified as Pathogenic.

Literature cited by the submitters: PubMed 18700894; PubMed 32904964.